The following is an entry in ClinVar:

ClinVar aggregate classification (germline): Uncertain significance (1 of 4 stars; one submission).

Conditions:
Cobblestone lissencephaly without muscular or ocular involvement. Also called: LEUKOENCEPHALOPATHY WITH VARIABLE CORTICAL BRAIN MALFORMATIONS AND/OR HYDROCEPHALUS; Lissencephaly 5. Identifiers: Orphanet 352682, MedGen C3554657, MONDO:0014077, OMIM 615191.

Allele frequency attached by ClinVar (database versions not stated): gnomAD exomes 0.00001; ExAC 0.00002.

Submission:

Baylor Genetics
Classification: Uncertain significance for Cobblestone lissencephaly without muscular or ocular involvement. Last evaluated: 2019-08-08. Review status: criteria provided, single submitter. Criteria: ACMG Guidelines, 2015. Collection method: clinical testing. Allele origin: unknown. Affected: yes.
Comment: This variant was determined to be of uncertain significance according to ACMG Guidelines, 2015 [PMID:25741868].

NM_002291.3(LAMB1):c.4188G>C (p.Met1396Ile)

Gene: LAMB1 (laminin subunit beta 1; minus strand). Cytogenetic location: 7q31.1.
Variant type: single nucleotide variant.
Coding change: c.4188G>C on transcript NM_002291.3 (MANE Select); coding-DNA position 4188, G replaced by C.
Protein change: p.Met1396Ile; replaces methionine 1396 with isoleucine.
Molecular consequence: missense variant.
Genome position (GRCh38, 1-based): chr7:107,935,415, C>G on the plus strand (G>C on the coding strand, the complement: LAMB1 is on the minus strand). VCF-style: chr7-107935415-C-G. GRCh37 (hg19) VCF-style: chr7-107575860-C-G.
Other names: short protein forms M1396I.
Identifiers: ClinVar variation 1029434 (VCV001029434.1), dbSNP rs754305761, ClinGen allele CA4435136.